The following is an entry in ClinVar:

ClinVar aggregate classification (germline): Likely pathogenic (1 of 4 stars; one submission).

Conditions:
Epilepsy, familial adult myoclonic, 5 (EPEO5). Also called: CORTICAL MYOCLONIC TREMOR WITH EPILEPSY, FAMILIAL, 5. Identifiers: Orphanet 86814, MedGen C3809374, MONDO:0014167, OMIM 615400.

Submission:

3billion
Classification: Likely pathogenic for Epilepsy, familial adult myoclonic, 5. Last evaluated: 2025-05-27. Review status: criteria provided, single submitter. Criteria: ACMG Guidelines, 2015. Collection method: clinical testing. Allele origin: germline. Affected: yes.
Comment: The variant is not observed in the gnomAD v4.1.0 dataset. Predicted Consequence/Location: Frameshift: predicted to result in a loss or disruption of normal protein function through nonsense-mediated decay (NMD) or protein truncation. Multiple pathogenic variants are reported downstream of the variant. Therefore, this variant is classified as Likely pathogenic according to the recommendation of ACMG/AMP guideline.

NM_005076.5(CNTN2):c.1283_1302del (p.Ile428fs)

Gene: CNTN2 (contactin 2; plus strand). Cytogenetic location: 1q32.1.
Variant type: Deletion.
Coding change: c.1283_1302del on transcript NM_005076.5 (MANE Select); coding-DNA positions 1283 to 1302, 20 bases deleted (TCCCCGCGGCCCGCGGGGGA).
Protein change: p.Ile428fs; shifts the reading frame from isoleucine 428.
Molecular consequence: frameshift variant. On other transcripts: non-coding transcript variant (1).
Genome position (GRCh38, 1-based): chr1:205,064,364-205,064,383, TCCCCGCGGCCCGCGGGGGA deleted; deleting any 20 consecutive bases within chr1:205,064,362-205,064,383 gives the same sequence; the c. name uses the placement nearest the transcript's 3' end. VCF-style (leftmost placement, unchanged base first): chr1-205064361-TGATCCCCGCGGCCCGCGGGG-T. GRCh37 (hg19) VCF-style: chr1-205033489-TGATCCCCGCGGCCCGCGGGG-T.
Other names: c.1283_1302del, p.Ile428fs (NM_001346083.2); short protein forms I428fs.
Identifiers: ClinVar variation 4855934 (VCV004855934.1).